The following is an entry in ClinVar:

NM_006227.4(PLTP):c.476G>T (p.Gly159Val)

Gene: PLTP (phospholipid transfer protein; minus strand). Cytogenetic location: 20q13.12.
Variant type: single nucleotide variant.
Coding change: c.476G>T on transcript NM_006227.4 (MANE Select); coding-DNA position 476, G replaced by T.
Protein change: p.Gly159Val; replaces glycine 159 with valine.
Molecular consequence: missense variant. On other transcripts: intron variant (2).
Genome position (GRCh38, 1-based): chr20:45,909,525, C>A on the plus strand (G>T on the coding strand, the complement: PLTP is on the minus strand). VCF-style: chr20-45909525-C-A. GRCh37 (hg19) VCF-style: chr20-44538164-C-A.
Other names: c.212G>T, p.Gly71Val (NM_001242921.1); c.201-1621G>T (NM_001242920.2); c.329+417G>T (NM_182676.3); short protein forms G159V, G71V.
Identifiers: ClinVar variation 3611405 (VCV003611405.2).

ClinVar aggregate classification (germline): Uncertain significance (1 of 4 stars; one submission).

Submission:

Labcorp Genetics (formerly Invitae), Labcorp
Classification: Uncertain significance. Last evaluated: 2025-11-10. Review status: criteria provided, single submitter. Criteria: Invitae Variant Classification Sherloc (09022015). Collection method: clinical testing. Allele origin: germline.
Comment: This sequence change replaces glycine, which is neutral and non-polar, with valine, which is neutral and non-polar, at codon 159 of the PLTP protein (p.Gly159Val). This variant is present in population databases (rs753005790, gnomAD 0.02%). This variant has not been reported in the literature in individuals affected with PLTP-related conditions. ClinVar contains an entry for this variant (Variation ID: 3611405). An algorithm developed to predict the effect of missense changes on protein structure and function (PolyPhen-2) suggests that this variant is likely to be disruptive. In summary, the available evidence is currently insufficient to determine the role of this variant in disease. Therefore, it has been classified as a Variant of Uncertain Significance.